The following is an entry in ClinVar:

NM_000018.4(ACADVL):c.1520A>T (p.Lys507Ile)

Gene: ACADVL (acyl-CoA dehydrogenase very long chain; plus strand). Cytogenetic location: 17p13.1.
Variant type: single nucleotide variant.
Coding change: c.1520A>T on transcript NM_000018.4 (MANE Select); coding-DNA position 1520, A replaced by T.
Protein change: p.Lys507Ile; replaces lysine 507 with isoleucine.
Molecular consequence: missense variant.
Genome position (GRCh38, 1-based): chr17:7,224,231, A>T. VCF-style: chr17-7224231-A-T. GRCh37 (hg19) VCF-style: chr17-7127550-A-T.
Other names: c.1454A>T, p.Lys485Ile (NM_001033859.3); c.1589A>T, p.Lys530Ile (NM_001270447.2); c.1292A>T, p.Lys431Ile (NM_001270448.2); short protein forms K485I, K507I, K530I, K431I.
Identifiers: ClinVar variation 2035405 (VCV002035405.4), dbSNP rs2508355015, ClinGen allele CA397725295.

ClinVar aggregate classification (germline): Pathogenic (1 of 4 stars; one submission).

Conditions:
Very long chain acyl-CoA dehydrogenase deficiency (ACADVLD). Also called: Very Long-Chain Acyl-Coenzyme A Dehydrogenase Deficiency; VLCAD Deficiency. Identifiers: Orphanet 26793, MedGen C3887523, MONDO:0008723, OMIM 201475.

Submission:

Labcorp Genetics (formerly Invitae), Labcorp
Classification: Pathogenic for Very long chain acyl-CoA dehydrogenase deficiency. Last evaluated: 2025-05-19. Review status: criteria provided, single submitter. Criteria: Invitae Variant Classification Sherloc (09022015). Collection method: clinical testing. Allele origin: germline.
Comment: This sequence change replaces lysine, which is basic and polar, with isoleucine, which is neutral and non-polar, at codon 507 of the ACADVL protein (p.Lys507Ile). This variant is not present in population databases (gnomAD no frequency). This missense change has been observed in individual(s) with clinical features of very long-chain acyl-CoA dehydrogenase deficiency (internal data). In at least one individual the data is consistent with being in trans (on the opposite chromosome) from a pathogenic variant. ClinVar contains an entry for this variant (Variation ID: 2035405). Invitae Evidence Modeling of protein sequence and biophysical properties (such as structural, functional, and spatial information, amino acid conservation, physicochemical variation, residue mobility, and thermodynamic stability) has been performed for this missense variant. However, the output from this modeling did not meet the statistical confidence thresholds required to predict the impact of this variant on ACADVL protein function. For these reasons, this variant has been classified as Pathogenic.